The following is an entry in ClinVar:

NM_004281.4(BAG3):c.1348A>T (p.Lys450Ter)

Gene: BAG3 (BAG cochaperone 3; plus strand). Cytogenetic location: 10q26.11.
Variant type: single nucleotide variant.
Coding change: c.1348A>T on transcript NM_004281.4 (MANE Select); coding-DNA position 1348, A replaced by T.
Protein change: p.Lys450Ter; replaces lysine 450 with a stop codon.
Molecular consequence: nonsense.
Genome position (GRCh38, 1-based): chr10:119,676,902, A>T. VCF-style: chr10-119676902-A-T. GRCh37 (hg19) VCF-style: chr10-121436414-A-T.
Other names: short protein forms K450*.
Identifiers: ClinVar variation 1066195 (VCV001066195.9), dbSNP rs765426544, ClinGen allele CA378297127.

ClinVar aggregate classification (germline): Pathogenic (1 of 4 stars; one submission).

Conditions:
Myofibrillar myopathy 6. Identifiers: Orphanet 199340, MedGen C2751831, MONDO:0013061, OMIM 612954.
Dilated cardiomyopathy 1HH (CMD1HH). Identifiers: Orphanet 154, MedGen C3151293, MONDO:0013479, OMIM 613881.

Submission:

Labcorp Genetics (formerly Invitae), Labcorp
Classification: Pathogenic for Dilated cardiomyopathy 1HH; Myofibrillar myopathy 6. Last evaluated: 2024-12-02. Review status: criteria provided, single submitter. Criteria: Invitae Variant Classification Sherloc (09022015). Collection method: clinical testing. Allele origin: germline.
Comment: This sequence change creates a premature translational stop signal (p.Lys450*) in the BAG3 gene. While this is not anticipated to result in nonsense mediated decay, it is expected to disrupt the last 126 amino acid(s) of the BAG3 protein. This variant is not present in population databases (gnomAD no frequency). This variant has not been reported in the literature in individuals affected with BAG3-related conditions. ClinVar contains an entry for this variant (Variation ID: 1066195). This variant disrupts a region of the BAG3 protein in which other variant(s) (p.Arg473*) have been determined to be pathogenic (PMID: 28436997, 32160020; internal data). This suggests that this is a clinically significant region of the protein, and that variants that disrupt it are likely to be disease-causing. For these reasons, this variant has been classified as Pathogenic.

Literature cited by the submitters: PubMed 28436997; PubMed 32160020.